The following is an entry in ClinVar:

ClinVar aggregate classification (germline): Likely pathogenic. Review status: criteria provided, multiple submitters, no conflicts (2 of 4 stars). 3 submissions from 3 submitters: Likely pathogenic (3). Last evaluated 2025-08-29.

Conditions:
Childhood hypophosphatasia. Identifiers: Orphanet 247667, Orphanet 436, MedGen C0220743, MONDO:1010168, OMIM 241510, MONDO:0009428.
Infantile hypophosphatasia. Identifiers: Orphanet 247651, Orphanet 436, MedGen C0268412, MONDO:1010169, OMIM 241500, MONDO:0009427.
Hypophosphatasia. Also called: Phosphoethanol-aminuria. Identifiers: Orphanet 436, MedGen C0020630, MeSH D007014, MONDO:0018570.

Allele frequency attached by ClinVar (database versions not stated): gnomAD exomes 0.00001.
gnomAD v4.1: 3 of 1,545,136 alleles (0.00019%); highest among the groups gnomAD compares: East Asian, 0.0077%; no homozygotes.

Submissions (3):

Genomenon, Inc
Classification: Likely pathogenic for Hypophosphatasia. Last evaluated: 2025-08-29. Review status: criteria provided, single submitter. Criteria: Genomenon Sequence Variant Interpretation Standards. Collection method: curation. Allele origin: germline. Affected: yes.
Comment: ALPL c.29T>C is a missense variant that changes the amino acid at residue 10 from Isoleucine to Threonine. This variant has been observed in at least one proband affected with hypophosphatasia (PMID:32973344;39873011;29724887). This variant has been observed in trans with a pathogenic variant (PMID:39873011). Functional studies have been reported;however, the significance of the findings remain unclear (PMID:32160374). It is absent or not present at a significant frequency in gnomAD. In conclusion, we classify ALPL p.Ile10Thr (c.29T>C) as a likely pathogenic variant.

Women's Health and Genetics/Laboratory Corporation of America, LabCorp
Classification: Likely pathogenic for Hypophosphatasia. Last evaluated: 2023-06-06. Review status: criteria provided, single submitter. Criteria: LabCorp Variant Classification Summary - May 2015. Collection method: clinical testing. Allele origin: germline.
Comment: Variant summary: ALPL c.29T>C (p.Ile10Thr) results in a non-conservative amino acid change in the encoded protein sequence. Three of five in-silico tools predict a damaging effect of the variant on protein function. The variant allele was found at a frequency of 1.2e-05 in 251484 control chromosomes (gnomAD). c.29T>C has been reported in the literature as a compound heterozygous genotype and at least once in the homozygous state in individuals affected with childhood/infantile-onset autosomal recessive Hypophosphatasia (e.g. Xu_2018, Mornet_2021). These data indicate that the variant may be associated with disease. A functional study examining the effect of the variant in vitro found that it results in 29% of WT activity but does not exhibit a dominant negative effect when expressed with the WT allele (del Angel_2020). The following publications have been ascertained in the context of this evaluation (PMID: 32160374, 32973344, 29724887). No clinical diagnostic laboratories have submitted clinical-significance assessments for this variant to ClinVar after 2014. Based on the evidence outlined above, the variant was classified as likely pathogenic.

Juno Genomics, Hangzhou Juno Genomics, Inc
Classification: Likely pathogenic for Childhood hypophosphatasia; Infantile hypophosphatasia. Review status: criteria provided, single submitter. Criteria: ACMG Guidelines, 2015. Collection method: clinical testing. Allele origin: germline.
Comment: Absent from controls (or at extremely low frequency if recessive) in Genome Aggregation Database.;For recessive disorders, detected in trans with a pathogenic variant.;Patient's phenotype or family history is highly specific for a disease with a single genetic etiology.

Literature cited by the submitters: PubMed 32973344 (cited by Genomenon, Inc and Women's Health and Genetics/Laboratory Corporation of America, LabCorp); PubMed 39873011 (cited by Genomenon, Inc); PubMed 29724887 (cited by Genomenon, Inc and Women's Health and Genetics/Laboratory Corporation of America, LabCorp); PubMed 32160374 (cited by Genomenon, Inc and Women's Health and Genetics/Laboratory Corporation of America, LabCorp).

NM_000478.6(ALPL):c.29T>C (p.Ile10Thr)

Gene: ALPL (alkaline phosphatase, biomineralization associated; plus strand). Cytogenetic location: 1p36.12.
Variant type: single nucleotide variant.
Coding change: c.29T>C on transcript NM_000478.6 (MANE Select); coding-DNA position 29, T replaced by C.
Protein change: p.Ile10Thr; replaces isoleucine 10 with threonine.
Molecular consequence: missense variant. On other transcripts: intron variant (2).
Genome position (GRCh38, 1-based): chr1:21,554,110, T>C. VCF-style: chr1-21554110-T-C. GRCh37 (hg19) VCF-style: chr1-21880603-T-C.
Other names: c.29T>C, p.Ile10Thr (NM_001369803.2, NM_001369804.2, NM_001369805.2); c.-104-6516T>C (NM_001127501.4); c.-54-6516T>C (NM_001177520.3); short protein forms I10T.
Identifiers: ClinVar variation 2573417 (VCV002573417.4), dbSNP rs1408044973, ClinGen allele CA338876368.